The following is an entry in ClinVar:

NM_001048174.2(MUTYH):c.1540C>T (p.His514Tyr)

Gene: MUTYH (mutY DNA glycosylase; minus strand). Cytogenetic location: 1p34.1.
Variant type: single nucleotide variant.
Coding change: c.1540C>T on transcript NM_001048174.2 (MANE Select); coding-DNA position 1540, C replaced by T.
Protein change: p.His514Tyr; replaces histidine 514 with tyrosine.
Molecular consequence: missense variant. On other transcripts: non-coding transcript variant (2).
Genome position (GRCh38, 1-based): chr1:45,329,332, G>A on the plus strand (C>T on the coding strand, the complement: MUTYH is on the minus strand). VCF-style: chr1-45329332-G-A. GRCh37 (hg19) VCF-style: chr1-45795004-G-A.
Other names: c.1540C>T, p.His514Tyr (NM_001048171.2, NM_001048173.2, NM_001293195.2); c.1543C>T, p.His515Tyr (NM_001048172.2); c.1624C>T, p.His542Tyr (NM_001128425.2); c.1585C>T, p.His529Tyr (NM_001293190.2); c.1573C>T, p.His525Tyr (NM_001293191.2); c.1264C>T, p.His422Tyr (NM_001293192.2, NM_001293196.2); c.1195C>T, p.His399Tyr (NM_001350650.2, NM_001350651.2); c.1615C>T, p.His539Tyr (NM_012222.3); short protein forms H542Y, H514Y, H525Y, H515Y, H399Y, H422Y, H529Y, H539Y.
Identifiers: ClinVar variation 490035 (VCV000490035.7), dbSNP rs1553122813, ClinGen allele CA340131552.

ClinVar aggregate classification (germline): Uncertain significance. Review status: criteria provided, multiple submitters, no conflicts (2 of 4 stars). 2 submissions from 2 submitters: Uncertain significance (2). Last evaluated 2025-08-27.

Conditions:
Hereditary cancer-predisposing syndrome. Also called: Hereditary Cancer Syndrome; Neoplastic Syndromes, Hereditary; Tumor predisposition; Hereditary neoplastic syndrome. Identifiers: Orphanet 140162, MedGen C0027672, MeSH D009386, MONDO:0015356.

Submissions (2):

Ambry Genetics
Classification: Uncertain significance for Hereditary cancer-predisposing syndrome. Last evaluated: 2025-08-27. Review status: criteria provided, single submitter. Criteria: Ambry Variant Classification Scheme 2023. Collection method: clinical testing. Allele origin: germline.
Comment: The p.H542Y variant (also known as c.1624C>T), located in coding exon 16 of the MUTYH gene, results from a C to T substitution at nucleotide position 1624. The histidine at codon 542 is replaced by tyrosine, an amino acid with similar properties. This amino acid position is conserved. In addition, this alteration is predicted to be tolerated by in silico analysis. Based on the available evidence, the clinical significance of this variant remains unclear.

Color Diagnostics, LLC DBA Color Health
Classification: Uncertain significance for Hereditary cancer-predisposing syndrome. Last evaluated: 2024-03-06. Review status: criteria provided, single submitter. Criteria: ACMG Guidelines, 2015. Collection method: clinical testing. Allele origin: germline.
Comment: This missense variant replaces histidine with tyrosine at codon 542 of the MUTYH protein. Computational prediction suggests that this variant may not impact protein structure and function (internally defined REVEL score threshold <= 0.5, PMID: 27666373). To our knowledge, functional studies have not been reported for this variant. This variant has not been reported in individuals affected with hereditary cancer in the literature. This variant has not been identified in the general population by the Genome Aggregation Database (gnomAD). The available evidence is insufficient to determine the role of this variant in disease conclusively. Therefore, this variant is classified as a Variant of Uncertain Significance.